The following is an entry in ClinVar:

NM_000059.4(BRCA2):c.2853T>C (p.Leu951=)

Gene: BRCA2 (BRCA2 DNA repair associated; plus strand). Cytogenetic location: 13q13.1.
Variant type: single nucleotide variant.
Coding change: c.2853T>C on transcript NM_000059.4 (MANE Select); coding-DNA position 2853, T replaced by C.
Protein change: p.Leu951=; no amino-acid change (leucine 951 retained).
Molecular consequence: synonymous variant.
Genome position (GRCh38, 1-based): chr13:32,337,208, T>C. VCF-style: chr13-32337208-T-C. GRCh37 (hg19) VCF-style: chr13-32911345-T-C.
Identifiers: ClinVar variation 919866 (VCV000919866.14), dbSNP rs1131692102, ClinGen allele CA483437531.

ClinVar aggregate classification (germline): Likely benign. Review status: criteria provided, multiple submitters, no conflicts (2 of 4 stars). 4 submissions from 4 submitters: Likely benign (4). Last evaluated 2025-10-01.

Conditions:
Hereditary cancer-predisposing syndrome. Also called: Hereditary Cancer Syndrome; Hereditary neoplastic syndrome; Neoplastic Syndromes, Hereditary; Tumor predisposition. Identifiers: Orphanet 140162, MedGen C0027672, MeSH D009386, MONDO:0015356.
Hereditary breast ovarian cancer syndrome. Also called: BRCA1- and BRCA2-Associated Hereditary Breast and Ovarian Cancer; Hereditary breast and ovarian cancer syndrome; Hereditary breast and ovarian cancer syndrome (HBOC); Breast and ovarian cancer; Hereditary breast and ovarian cancer; Hereditary breast and/or ovarian cancer syndrome. Identifiers: Orphanet 145, MedGen C0677776, MeSH D061325, MONDO:0003582. Disease mechanism: loss of function.
Breast-ovarian cancer, familial, susceptibility to, 2 (BROVCA2). Also called: BRCA2 Hereditary Breast and Ovarian Cancer. Identifiers: Orphanet 145, MedGen C2675520, MONDO:0012933, OMIM 612555. Disease mechanism: loss of function.

Allele frequency attached by ClinVar (database versions not stated): gnomAD exomes below 0.00001.
gnomAD v4.1: 1 of 1,613,302 alleles (0.000062%); highest among the groups gnomAD compares: Non-Finnish European, 0.000085%; no homozygotes.

Submissions (4):

Labcorp Genetics (formerly Invitae), Labcorp
Classification: Likely benign for Hereditary breast ovarian cancer syndrome. Last evaluated: 2025-10-01. Review status: criteria provided, single submitter. Criteria: Invitae Variant Classification Sherloc (09022015). Collection method: clinical testing. Allele origin: germline.

All of Us Research Program, National Institutes of Health
Classification: Likely benign for Breast-ovarian cancer, familial, susceptibility to, 2. Last evaluated: 2023-10-27. Review status: criteria provided, single submitter. Criteria: ACMG Guidelines, 2015. Collection method: clinical testing. Allele origin: germline. Inheritance: Autosomal dominant inheritance. Observed: 1 variant allele, 1 heterozygote.
Comment: This study involves interpretation of variants in research participants for the purpose of population health screening. Participant phenotype was not available at the time of variant classification. Additional details can be found in publication PMID: 35346344, PMCID: PMC8962531

Ambry Genetics
Classification: Likely benign for Hereditary cancer-predisposing syndrome. Last evaluated: 2021-11-23. Review status: criteria provided, single submitter. Criteria: Ambry Variant Classification Scheme 2023. Collection method: clinical testing. Allele origin: germline.

Color Diagnostics, LLC DBA Color Health
Classification: Likely benign for Hereditary cancer-predisposing syndrome. Last evaluated: 2019-11-07. Review status: criteria provided, single submitter. Criteria: ACMG Guidelines, 2015. Collection method: clinical testing. Allele origin: germline.